The following is an entry in ClinVar:

NM_138459.5(NUS1):c.46C>T (p.Leu16Phe)

Gene: NUS1 (NUS1 dehydrodolichyl diphosphate synthase subunit; plus strand). Cytogenetic location: 6q22.1.
Variant type: single nucleotide variant.
Coding change: c.46C>T on transcript NM_138459.5 (MANE Select); coding-DNA position 46, C replaced by T.
Protein change: p.Leu16Phe; replaces leucine 16 with phenylalanine.
Molecular consequence: missense variant.
Genome position (GRCh38, 1-based): chr6:117,675,716, C>T. VCF-style: chr6-117675716-C-T. GRCh37 (hg19) VCF-style: chr6-117996879-C-T.
Other names: c.46C>T (NM_138459.3); short protein forms L16F.
Identifiers: ClinVar variation 1510254 (VCV001510254.9), dbSNP rs962512059, ClinGen allele CA146431373.

ClinVar aggregate classification (germline): Uncertain significance. Review status: criteria provided, multiple submitters, no conflicts (2 of 4 stars). 2 submissions from 2 submitters: Uncertain significance (2). Last evaluated 2025-11-03.

Conditions:
Congenital disorder of glycosylation, type Iaa. Also called: Congenital disorder of glycosylation, type 1aa. Identifiers: MedGen C4310727, MONDO:0014904, OMIM 617082.
Inborn genetic diseases. Identifiers: MedGen C0950123, MeSH D030342.

Allele frequency attached by ClinVar (database versions not stated): TOPMed 0.00002; gnomAD 0.00001; gnomAD exomes 0.00002.
gnomAD v4.1: 19 of 1,518,076 alleles (0.0013%); highest among the groups gnomAD compares: Admixed American, 0.0058%; no homozygotes.

Submissions (2):

Ambry Genetics
Classification: Uncertain significance for Inborn genetic diseases. Last evaluated: 2025-11-03. Review status: criteria provided, single submitter. Criteria: Ambry Variant Classification Scheme 2023. Collection method: clinical testing. Allele origin: germline.

Labcorp Genetics (formerly Invitae), Labcorp
Classification: Uncertain significance for Congenital disorder of glycosylation, type Iaa. Last evaluated: 2025-10-10. Review status: criteria provided, single submitter. Criteria: Invitae Variant Classification Sherloc (09022015). Collection method: clinical testing. Allele origin: germline.
Comment: This sequence change replaces leucine, which is neutral and non-polar, with phenylalanine, which is neutral and non-polar, at codon 16 of the NUS1 protein (p.Leu16Phe). This variant is present in population databases (no rsID available, gnomAD 0.008%). This variant has not been reported in the literature in individuals affected with NUS1-related conditions. ClinVar contains an entry for this variant (Variation ID: 1510254). An algorithm developed to predict the effect of missense changes on protein structure and function (PolyPhen-2) suggests that this variant is likely to be tolerated. In summary, the available evidence is currently insufficient to determine the role of this variant in disease. Therefore, it has been classified as a Variant of Uncertain Significance.